The following is an entry in ClinVar:

ClinVar aggregate classification (germline): Likely pathogenic (1 of 4 stars; one submission).

Conditions:
Metaphyseal chondrodysplasia, Schmid type (MCDS). Also called: SPONDYLOMETAPHYSEAL DYSPLASIA, JAPANESE TYPE. Identifiers: Orphanet 174, MedGen C0265289, MONDO:0007983, OMIM 156500.

Submission:

3billion
Classification: Likely pathogenic for Metaphyseal chondrodysplasia, Schmid type. Last evaluated: 2024-09-02. Review status: criteria provided, single submitter. Criteria: ACMG Guidelines, 2015. Collection method: clinical testing. Allele origin: germline. Affected: yes.
Comment: The variant is not observed in the gnomAD v4.0.0 dataset. Predicted Consequence/Location: Frameshift: predicted to result in a loss or disruption of normal protein function through protein truncation. The predicted truncated protein may be shortened by more than 10%. Therefore, this variant is classified as Likely pathogenic according to the recommendation of ACMG/AMP guideline.

NM_000493.4(COL10A1):c.1788dup (p.Tyr597fs)

Genes: COL10A1 (collagen type X alpha 1 chain; minus strand), NT5DC1 (5'-nucleotidase domain containing 1; plus strand). Cytogenetic location: 6q22.1.
Variant type: Duplication.
Coding change: c.1788dup on transcript NM_000493.4 (MANE Select); coding-DNA position 1788, one base duplicated (A; older notation c.1788dupA).
Protein change: p.Tyr597fs; shifts the reading frame from tyrosine 597.
Molecular consequence: frameshift variant. On other transcripts: intron variant (1).
Genome position (GRCh38, 1-based): chr6:116,120,328, T duplicated on the plus strand (A on the coding strand, the reverse complement: COL10A1 is on the minus strand). VCF-style (leftmost placement, unchanged base first): chr6-116120327-A-AT. GRCh37 (hg19) VCF-style: chr6-116441490-A-AT.
Other names: c.1788dup, p.Tyr597fs (NM_001424106.1, NM_001424107.1); c.529+2383dup (NM_152729.3); short protein forms Y597fs.
Identifiers: ClinVar variation 4291890 (VCV004291890.1).
Genomic context (GRCh38, chr6:116,120,327, plus strand): 5'-TCTTATACAGGCCTACCCAAACATGAGTCCCTTTCACATGCACGTGGTATGAAAAATAGT[A>AT]TATTCCTGGTATCTGACAAGTAAAGATTCCAGTCCTTGGGTCATAATGCTGTTGCCTGTT-3'